The following is an entry in ClinVar:

NM_015404.4(WHRN):c.1177G>T (p.Asp393Tyr)

Gene: WHRN (whirlin; minus strand). Cytogenetic location: 9q32.
Variant type: single nucleotide variant.
Coding change: c.1177G>T on transcript NM_015404.4 (MANE Select); coding-DNA position 1177, G replaced by T.
Protein change: p.Asp393Tyr; replaces aspartic acid 393 with tyrosine.
Molecular consequence: missense variant.
Genome position (GRCh38, 1-based): chr9:114,425,014, C>A on the plus strand (G>T on the coding strand, the complement: WHRN is on the minus strand). VCF-style: chr9-114425014-C-A. GRCh37 (hg19) VCF-style: chr9-117187294-C-A.
Other names: c.28G>T, p.Asp10Tyr (NM_001083885.3); c.1177G>T, p.Asp393Tyr (NM_001173425.2); c.124G>T, p.Asp42Tyr (NM_001346890.1); short protein forms D42Y, D393Y, D10Y.
Identifiers: ClinVar variation 2012501 (VCV002012501.4), dbSNP rs138164522, ClinGen allele CA198635288.

ClinVar aggregate classification (germline): Uncertain significance (1 of 4 stars; one submission).

Submission:

Labcorp Genetics (formerly Invitae), Labcorp
Classification: Uncertain significance. Last evaluated: 2022-08-08. Review status: criteria provided, single submitter. Criteria: Invitae Variant Classification Sherloc (09022015). Collection method: clinical testing. Allele origin: germline.
Comment: This sequence change replaces aspartic acid, which is acidic and polar, with tyrosine, which is neutral and polar, at codon 393 of the WHRN protein (p.Asp393Tyr). This variant has not been reported in the literature in individuals affected with WHRN-related conditions. This variant is not present in population databases (gnomAD no frequency). In summary, the available evidence is currently insufficient to determine the role of this variant in disease. Therefore, it has been classified as a Variant of Uncertain Significance. Algorithms developed to predict the effect of missense changes on protein structure and function are either unavailable or do not agree on the potential impact of this missense change (SIFT: "Deleterious"; PolyPhen-2: "Benign"; Align-GVGD: "Class C0").